The following is an entry in ClinVar:

ClinVar aggregate classification (germline): Uncertain significance. Review status: criteria provided, multiple submitters, no conflicts (2 of 4 stars). 2 submissions from 2 submitters: Uncertain significance (2). Last evaluated 2024-04-01.

Conditions:
Inborn genetic diseases. Identifiers: MedGen C0950123, MeSH D030342.
Hereditary spastic paraplegia 11. Also called: Spastic Paraplegia 11; SPASTIC PARAPLEGIA, AUTOSOMAL RECESSIVE, COMPLICATED, WITH THIN CORPUS CALLOSUM; SPASTIC PARAPLEGIA, AUTOSOMAL RECESSIVE, WITH MENTAL IMPAIRMENT AND THIN CORPUS CALLOSUM; Nakamura Osame syndrome; Autosomal recessive hereditary spastic paraplegia, mental impairment, and thin corpus callosum; Spastic paraplegia, mental retardation and thin corpus callosum. Identifiers: Orphanet 2822, MedGen C1858479, MONDO:0011445, OMIM 604360.

Allele frequency attached by ClinVar (database versions not stated): TOPMed below 0.00001; gnomAD 0.00001; gnomAD exomes 0.00001 and 0.00002.
gnomAD v4.1: 23 of 1,613,818 alleles (0.0014%); highest among the groups gnomAD compares: Non-Finnish European, 0.0019%; no homozygotes.

Submissions (2):

Ambry Genetics
Classification: Uncertain significance for Inborn genetic diseases. Last evaluated: 2024-04-01. Review status: criteria provided, single submitter. Criteria: Ambry Variant Classification Scheme 2023. Collection method: clinical testing. Allele origin: germline.

Labcorp Genetics (formerly Invitae), Labcorp
Classification: Uncertain significance for Hereditary spastic paraplegia 11. Last evaluated: 2021-09-24. Review status: criteria provided, single submitter. Criteria: Invitae Variant Classification Sherloc (09022015). Collection method: clinical testing. Allele origin: germline.
Comment: This sequence change replaces threonine with serine at codon 1135 of the SPG11 protein (p.Thr1135Ser). The threonine residue is highly conserved and there is a small physicochemical difference between threonine and serine. This variant is not present in population databases (ExAC no frequency). This variant has not been reported in the literature in individuals with SPG11-related conditions. Algorithms developed to predict the effect of missense changes on protein structure and function (SIFT, PolyPhen-2, Align-GVGD) all suggest that this variant is likely to be tolerated, but these predictions have not been confirmed by published functional studies and their clinical significance is uncertain. In summary, the available evidence is currently insufficient to determine the role of this variant in disease. Therefore, it has been classified as a Variant of Uncertain Significance.

NM_025137.4(SPG11):c.3403A>T (p.Thr1135Ser)

Gene: SPG11 (SPG11 vesicle trafficking associated, spatacsin; minus strand). Cytogenetic location: 15q21.1.
Variant type: single nucleotide variant.
Coding change: c.3403A>T on transcript NM_025137.4 (MANE Select); coding-DNA position 3403, A replaced by T.
Protein change: p.Thr1135Ser; replaces threonine 1135 with serine.
Molecular consequence: missense variant.
Genome position (GRCh38, 1-based): chr15:44,608,494, T>A on the plus strand (A>T on the coding strand, the complement: SPG11 is on the minus strand). VCF-style: chr15-44608494-T-A. GRCh37 (hg19) VCF-style: chr15-44900692-T-A.
Other names: c.3403A>T, p.Thr1135Ser (NM_001160227.2); c.3403A>T (NM_025137.3); short protein forms T1135S.
Identifiers: ClinVar variation 1524488 (VCV001524488.6), dbSNP rs1404221624, ClinGen allele CA392224872.